The following is an entry in ClinVar:

ClinVar aggregate classification (germline): Uncertain significance (1 of 4 stars; one submission).

Allele frequency attached by ClinVar (database versions not stated): gnomAD exomes below 0.00001; TOPMed 0.00001; gnomAD 0.00001.
gnomAD v4.1: 3 of 1,614,086 alleles (0.00019%); highest among the groups gnomAD compares: African/African-American, 0.0013%; no homozygotes.

Submission:

Labcorp Genetics (formerly Invitae), Labcorp
Classification: Uncertain significance. Last evaluated: 2025-07-28. Review status: criteria provided, single submitter. Criteria: Invitae Variant Classification Sherloc (09022015). Collection method: clinical testing. Allele origin: germline.
Comment: This sequence change replaces phenylalanine, which is neutral and non-polar, with cysteine, which is neutral and slightly polar, at codon 729 of the SLC7A14 protein (p.Phe729Cys). This variant is present in population databases (no rsID available, gnomAD 0.0009%). This variant has not been reported in the literature in individuals affected with SLC7A14-related conditions. ClinVar contains an entry for this variant (Variation ID: 1970726). An algorithm developed to predict the effect of missense changes on protein structure and function (PolyPhen-2) suggests that this variant is likely to be tolerated. In summary, the available evidence is currently insufficient to determine the role of this variant in disease. Therefore, it has been classified as a Variant of Uncertain Significance.

NM_020949.3(SLC7A14):c.2186T>G (p.Phe729Cys)

Gene: SLC7A14 (solute carrier family 7 member 14; minus strand). Cytogenetic location: 3q26.2.
Variant type: single nucleotide variant.
Coding change: c.2186T>G on transcript NM_020949.3 (MANE Select); coding-DNA position 2186, T replaced by G.
Protein change: p.Phe729Cys; replaces phenylalanine 729 with cysteine.
Molecular consequence: missense variant.
Genome position (GRCh38, 1-based): chr3:170,467,185, A>C on the plus strand (T>G on the coding strand, the complement: SLC7A14 is on the minus strand). VCF-style: chr3-170467185-A-C. GRCh37 (hg19) VCF-style: chr3-170184973-A-C.
Other names: short protein forms F729C.
Identifiers: ClinVar variation 1970726 (VCV001970726.5), dbSNP rs1261010208, ClinGen allele CA355483687.
Genomic context (GRCh38, chr3:170,467,185, plus strand): 5'-CTCTTCGCTTTGCTACTTGTCCGGCCGTTTGCCTTCGCATCTGACATCTGTTGGTAATAG[A>C]AGCCTTTGTCTTCAGTGGGCCCGCCCCAGTCCTCCTGGCTCTCGCCCTCTGTGGCGTAGG-3'
Protein context (NP_066000.2, residues 719-739): DWGGPTEDKG[Phe729Cys]YYQQMSDAKA